The following is an entry in ClinVar:

NM_000066.4(C8B):c.249+3A>G

Gene: C8B (complement C8 beta chain; minus strand). Cytogenetic location: 1p32.2.
Variant type: single nucleotide variant.
Coding change: c.249+3A>G on transcript NM_000066.4 (MANE Select); 3 bases into the intron after coding-DNA position 249, A replaced by G.
Molecular consequence: intron variant.
Genome position (GRCh38, 1-based): chr1:56,960,017, T>C on the plus strand (A>G on the coding strand, the complement: C8B is on the minus strand). VCF-style: chr1-56960017-T-C. GRCh37 (hg19) VCF-style: chr1-57425690-T-C.
Other names: c.-67+3A>G (NM_001278544.2); c.93+3A>G (NM_001278543.2).
Identifiers: ClinVar variation 1474498 (VCV001474498.6), dbSNP rs1465352454, ClinGen allele CA737198420.

ClinVar aggregate classification (germline): Uncertain significance (1 of 4 stars; one submission).

Allele frequency attached by ClinVar (database versions not stated): TOPMed below 0.00001.

Submission:

Labcorp Genetics (formerly Invitae), Labcorp
Classification: Uncertain significance. Last evaluated: 2022-02-25. Review status: criteria provided, single submitter. Criteria: Invitae Variant Classification Sherloc (09022015). Collection method: clinical testing. Allele origin: germline.
Comment: In summary, the available evidence is currently insufficient to determine the role of this variant in disease. Therefore, it has been classified as a Variant of Uncertain Significance. Variants that disrupt the consensus splice site are a relatively common cause of aberrant splicing (PMID: 17576681, 9536098). Algorithms developed to predict the effect of sequence changes on RNA splicing suggest that this variant may disrupt the consensus splice site. This variant has not been reported in the literature in individuals affected with C8B-related conditions. This variant is not present in population databases (gnomAD no frequency). This sequence change falls in intron 2 of the C8B gene. It does not directly change the encoded amino acid sequence of the C8B protein. It affects a nucleotide within the consensus splice site.

Literature cited by the submitters: PubMed 17576681; PubMed 9536098.